The following is an entry in ClinVar:

ClinVar aggregate classification (germline): Pathogenic (1 of 4 stars; one submission).

Conditions:
Hereditary insensitivity to pain with anhidrosis (CIPA). Also called: INSENSITIVITY TO PAIN, CONGENITAL, WITH ANHIDROSIS; hereditary sensory and autonomic neuropathy type 4; FAMILIAL DYSAUTONOMIA, TYPE II; NEUROPATHY, CONGENITAL SENSORY, WITH ANHIDROSIS; NTRK1 Congenital Insensitivity to Pain with Anhidrosis; HSAN Type IV. Identifiers: Orphanet 642, MedGen C0020074, MONDO:0009746, OMIM 256800.

Submission:

Natera, Inc.
Classification: Pathogenic for Hereditary insensitivity to pain with anhidrosis. Last evaluated: 2024-11-02. Review status: criteria provided, single submitter. Criteria: Natera Variant Classification Schema (03/2026). Collection method: clinical testing. Allele origin: germline.
Comment: The c.1A>G variant in NTRK1 is predicted to result in start loss due to disruption of the initiator methionine. This variant is expected to result in nonsense mediated decay, truncation, or a dysfunctional protein product. This variant is rare in the general population with a frequency below the threshold expected for the associated phenotype(s). This variant has been observed in one or more individuals affected with the associated recessive disease, as either homozygous or compound heterozygous with a second variant (PMID: 32219930). Given the available evidence, this variant is classified as Pathogenic.

Literature cited by the submitters: PubMed 32219930.

NM_002529.4(NTRK1):c.1A>G (p.Met1Val)

Genes: NTRK1 (neurotrophic receptor tyrosine kinase 1; plus strand), LOC129931648 (ATAC-STARR-seq lymphoblastoid silent region 1440; plus strand). Cytogenetic location: 1q23.1.
Variant type: single nucleotide variant.
Coding change: c.1A>G on transcript NM_002529.4 (MANE Select); coding-DNA position 1, A replaced by G.
Protein change: p.Met1Val; changes the start codon (methionine 1).
Molecular consequence: missense variant, initiator codon variant. On other transcripts: intron variant (1).
Genome position (GRCh38, 1-based): chr1:156,860,935, A>G. VCF-style: chr1-156860935-A-G. GRCh37 (hg19) VCF-style: chr1-156830727-A-G.
Other names: c.1A>G, p.Met1Val (NM_001012331.2); c.123-3419A>G (NM_001007792.1); short protein forms M1V.
Identifiers: ClinVar variation 4814512 (VCV004814512.1).
Genomic context (GRCh38, chr1:156,860,935, plus strand): 5'-CAGCTGCAGCTGGGAGCGCACAGACGGCTGCCCCGCCTGAGCGAGGCGGGCGCCGCCGCG[A>G]TGCTGCGAGGCGGACGGCGCGGGCAGCTTGGCTGGCACAGCTGGGCTGCGGGGCCGGGCA-3'
Protein context (NP_002520.2, residues 1-11): [Met1Val]LRGGRRGQLG